The following is an entry in ClinVar:

NM_000492.4(CFTR):c.1144A>T (p.Thr382Ser)

Gene: CFTR (CF transmembrane conductance regulator; plus strand). Cytogenetic location: 7q31.2.
Variant type: single nucleotide variant.
Coding change: c.1144A>T on transcript NM_000492.4 (MANE Select); coding-DNA position 1144, A replaced by T.
Protein change: p.Thr382Ser; replaces threonine 382 with serine.
Molecular consequence: missense variant.
Genome position (GRCh38, 1-based): chr7:117,542,043, A>T. VCF-style: chr7-117542043-A-T. GRCh37 (hg19) VCF-style: chr7-117182097-A-T.
Other names: short protein forms T382S.
Identifiers: ClinVar variation 4868831 (VCV004868831.1).

ClinVar aggregate classification (germline): Uncertain significance (1 of 4 stars; one submission).

Conditions:
Cystic fibrosis (CF). Also called: MUCOVISCIDOSIS. Identifiers: Orphanet 586, MedGen C0010674, MONDO:0009061, OMIM 219700. Disease mechanism: loss of function.

Submission:

Ambry Genetics
Classification: Uncertain significance for Cystic fibrosis. Last evaluated: 2026-04-04. Review status: criteria provided, single submitter. Criteria: Ambry Variant Classification Scheme 2023. Collection method: clinical testing. Allele origin: germline.
Comment: The p.T382S variant (also known as c.1144A>T), located in coding exon 9 of the CFTR gene, results from an A to T substitution at nucleotide position 1144. The threonine at codon 382 is replaced by serine, an amino acid with similar properties. This amino acid position is conserved. In addition, the in silico prediction for this alteration is inconclusive. Based on the available evidence, the clinical significance of this variant remains unclear.